The following is an entry in ClinVar:

NM_182961.4(SYNE1):c.16229G>A (p.Arg5410Gln)

Gene: SYNE1 (spectrin repeat containing nuclear envelope protein 1; minus strand). Cytogenetic location: 6q25.2.
Variant type: single nucleotide variant.
Coding change: c.16229G>A on transcript NM_182961.4 (MANE Select); coding-DNA position 16229, G replaced by A.
Protein change: p.Arg5410Gln; replaces arginine 5410 with glutamine.
Molecular consequence: missense variant.
Genome position (GRCh38, 1-based): chr6:152,321,245, C>T on the plus strand (G>A on the coding strand, the complement: SYNE1 is on the minus strand). VCF-style: chr6-152321245-C-T. GRCh37 (hg19) VCF-style: chr6-152642380-C-T.
Other names: c.16016G>A, p.Arg5339Gln (NM_033071.5); short protein forms R5339Q, R5410Q.
Identifiers: ClinVar variation 618407 (VCV000618407.17), dbSNP rs776100963, ClinGen allele CA4055586.
Genomic context (GRCh38, chr6:152,321,245, plus strand): 5'-GACTGACCCTATAAACAAAATGGAAAGACACTCTTTCTTGATCATAGGTTTACCTGATCT[C>T]GGATCTTTAGATCTAACGCCACTTCAGCCAACTGAAGGGAGAGTTCAGAAGGTAATATGG-3'
Protein context (NP_892006.3, residues 5400-5420): LAEVALDLKI[Arg5410Gln]DQIQDKIKEV

ClinVar aggregate classification (germline): Uncertain significance. Review status: criteria provided, multiple submitters, no conflicts (2 of 4 stars). 3 submissions from 3 submitters: Uncertain significance (3). Last evaluated 2022-08-23.

Conditions:
Autosomal recessive ataxia, Beauce type. Also called: Spinocerebellar ataxia, autosomal recessive 8; ATAXIA, RECESSIVE, OF BEAUCE; SYNE1 Deficiency; SYNE1-Related Autosomal Recessive Cerebellar Ataxia. Identifiers: Orphanet 88644, MedGen C1853116, MONDO:0012549, OMIM 610743.
Emery-Dreifuss muscular dystrophy 4, autosomal dominant (EDMD4). Also called: EMERY-DREIFUSS MUSCULAR DYSTROPHY 4 WITH VARIABLE FEATURES. Identifiers: Orphanet 261, MedGen C2751807, MONDO:0013071, OMIM 612998.

Allele frequency attached by ClinVar (database versions not stated): ExAC 0.00002; gnomAD exomes 0.00002 and 0.00006; gnomAD 0.00003 and 0.00004; TOPMed 0.00006.
gnomAD v4.1: 91 of 1,613,480 alleles (0.0056%); highest among the groups gnomAD compares: African/African-American, 0.027%; no homozygotes.

Submissions (3):

Labcorp Genetics (formerly Invitae), Labcorp
Classification: Uncertain significance for Emery-Dreifuss muscular dystrophy 4, autosomal dominant; Autosomal recessive ataxia, Beauce type. Last evaluated: 2022-08-23. Review status: criteria provided, single submitter. Criteria: Invitae Variant Classification Sherloc (09022015). Collection method: clinical testing. Allele origin: germline.
Comment: This variant is present in population databases (rs776100963, gnomAD 0.02%). In summary, the available evidence is currently insufficient to determine the role of this variant in disease. Therefore, it has been classified as a Variant of Uncertain Significance. Algorithms developed to predict the effect of missense changes on protein structure and function output the following: SIFT: "Tolerated"; PolyPhen-2: "Benign"; Align-GVGD: "Class C0". The glutamine amino acid residue is found in multiple mammalian species, which suggests that this missense change does not adversely affect protein function. ClinVar contains an entry for this variant (Variation ID: 618407). This variant has not been reported in the literature in individuals affected with SYNE1-related conditions. This sequence change replaces arginine, which is basic and polar, with glutamine, which is neutral and polar, at codon 5339 of the SYNE1 protein (p.Arg5339Gln).

Revvity Omics, Revvity
Classification: Uncertain significance. Last evaluated: 2020-06-23. Review status: criteria provided, single submitter. Criteria: ACMG Guidelines, 2015. Collection method: clinical testing. Allele origin: germline.

ARUP Laboratories, Molecular Genetics and Genomics, ARUP Laboratories
Classification: Uncertain significance. Last evaluated: 2017-08-18. Review status: criteria provided, single submitter. Criteria: ARUP Molecular Germline Variant Investigation Process. Collection method: clinical testing. Allele origin: germline.
Comment: The p.Arg5339Gln variant (rs776100963) has not been reported in the medical literature, is not listed in gene-specific variant databases, nor has it been previously identified in our laboratory. It is listed in the Genome Aggregation Database (gnomAD) browser with a frequency in African populations of 0.021% (identified in 5 out of 24,024 chromosomes). The arginine at codon 5339 is weakly conserved considering 12 species (Alamut software v2.9), and several avian species have a glutamine at this position, suggesting this change is evolutionary tolerated. Furthermore, computational analyses suggest this variant does not have a significant effect on SYNE1 protein structure/function (SIFT: tolerated, PolyPhen2: benign, and Mutation Taster: polymorphism). However, based on the available information, the clinical significance of the p.Arg5339Gln variant cannot be determined with certainty.